The following is an entry in ClinVar:

ClinVar aggregate classification (germline): Uncertain significance (1 of 4 stars; one submission).

gnomAD v4.1: 1 of 1,614,022 alleles (0.000062%); highest among the groups gnomAD compares: East Asian, 0.0022%; no homozygotes.

Submission:

Labcorp Genetics (formerly Invitae), Labcorp
Classification: Uncertain significance. Last evaluated: 2024-01-02. Review status: criteria provided, single submitter. Criteria: Invitae Variant Classification Sherloc (09022015). Collection method: clinical testing. Allele origin: germline.
Comment: This sequence change replaces alanine, which is neutral and non-polar, with aspartic acid, which is acidic and polar, at codon 144 of the ALPK1 protein (p.Ala144Asp). This variant is not present in population databases (gnomAD no frequency). This variant has not been reported in the literature in individuals affected with ALPK1-related conditions. Advanced modeling of protein sequence and biophysical properties (such as structural, functional, and spatial information, amino acid conservation, physicochemical variation, residue mobility, and thermodynamic stability) performed at Invitae indicates that this missense variant is expected to disrupt ALPK1 protein function with a positive predictive value of 80%. In summary, the available evidence is currently insufficient to determine the role of this variant in disease. Therefore, it has been classified as a Variant of Uncertain Significance.

NM_025144.4(ALPK1):c.431C>A (p.Ala144Asp)

Gene: ALPK1 (alpha kinase 1; plus strand). Cytogenetic location: 4q25.
Variant type: single nucleotide variant.
Coding change: c.431C>A on transcript NM_025144.4 (MANE Select); coding-DNA position 431, C replaced by A.
Protein change: p.Ala144Asp; replaces alanine 144 with aspartic acid.
Molecular consequence: missense variant.
Genome position (GRCh38, 1-based): chr4:112,411,981, C>A. VCF-style: chr4-112411981-C-A. GRCh37 (hg19) VCF-style: chr4-113333137-C-A.
Other names: c.431C>A, p.Ala144Asp (NM_001102406.2); c.197C>A, p.Ala66Asp (NM_001253884.2); short protein forms A66D, A144D.
Identifiers: ClinVar variation 2792973 (VCV002792973.3), dbSNP rs1427050994, ClinGen allele CA357990754.
Genomic context (GRCh38, chr4:112,411,981, plus strand): 5'-CTGGAAAACTTCTGCAGGTCGCCAAAGGTCTCCACAAGTTGCAGCCAGCCACGCCAATTG[C>A]CCCGCAGGTGGTTATTCGCCAAGCCCGAATCTCCGTGAACTCAGGTATGCTCCCTCCTGC-3'
Protein context (NP_079420.3, residues 134-154): LHKLQPATPI[Ala144Asp]PQVVIRQARI